The following is an entry in ClinVar:

ClinVar aggregate classification (germline): Benign/Likely benign. Review status: criteria provided, multiple submitters, no conflicts (2 of 4 stars). 4 submissions from 4 submitters: Benign (1); Likely benign (3). Last evaluated 2026-01-26.

Conditions:
Muscular dystrophy-dystroglycanopathy (congenital with impaired intellectual development), type B, 14. Also called: MUSCULAR DYSTROPHY, CONGENITAL, GMPPB-RELATED; Muscular dystrophy-dystroglycanopathy (congenital with intellectual disability), type B14; Congenital muscular dystrophy-dystroglycanopathy with mental retardation, type B14. Identifiers: MedGen C3809221, MONDO:0014141, OMIM 615351.
Autosomal recessive limb-girdle muscular dystrophy type 2T. Also called: MUSCULAR DYSTROPHY-DYSTROGLYCANOPATHY, LIMB-GIRDLE, GMPPB-RELATED; MUSCULAR DYSTROPHY, LIMB-GIRDLE, TYPE 2T; Muscular dystrophy-dystroglycanopathy (limb-girdle), type c, 14; Limb-girdle muscular dystrophy-dystroglycanopathy, type C14. Identifiers: Orphanet 363623, MedGen C4518000, MONDO:0014142, OMIM 615352.
Muscular dystrophy-dystroglycanopathy (congenital with brain and eye anomalies), type A14. Also called: WALKER-WARBURG SYNDROME OR MUSCLE-EYE-BRAIN DISEASE, GMPPB-RELATED; Muscular dystrophy-dystroglycanopathy (congenital with brain and eye anomalies), type a, 14; Congenital Muscular Dystrophy-Dystroglycanopathy with Brain and Eye Anomalies Type A 14; Congenital muscular dystrophy-dystroglycanopathy with brain and eye anomalies, type A14. Identifiers: Orphanet 588, MedGen C3809216, MONDO:0014140, OMIM 615350.

Allele frequency attached by ClinVar (database versions not stated): 1000 Genomes Project 30x 0.00047; 1000 Genomes Project 0.00060; ESP Exome Variant Server 0.00092; ExAC 0.00096; gnomAD exomes 0.00096 and 0.00168; gnomAD 0.00098 and 0.00101; TOPMed 0.00105.

Submissions (4):

Labcorp Genetics (formerly Invitae), Labcorp
Classification: Benign for Autosomal recessive limb-girdle muscular dystrophy type 2T; Muscular dystrophy-dystroglycanopathy (congenital with brain and eye anomalies), type A14; Muscular dystrophy-dystroglycanopathy (congenital with impaired intellectual development), type B, 14. Last evaluated: 2026-01-26. Review status: criteria provided, single submitter. Criteria: Invitae Variant Classification Sherloc (09022015). Collection method: clinical testing. Allele origin: germline.

Blueprint Genetics
Classification: Likely benign. Last evaluated: 2024-11-13. Review status: criteria provided, single submitter. Criteria: ACMG Guidelines, 2015. Collection method: clinical testing. Allele origin: germline.

GeneDx
Classification: Likely benign. Last evaluated: 2018-01-08. Review status: criteria provided, single submitter. Criteria: GeneDx Variant Classification (06012015). Collection method: clinical testing. Allele origin: germline. Affected: yes.
Comment: This variant is considered likely benign or benign based on one or more of the following criteria: it is a conservative change, it occurs at a poorly conserved position in the protein, it is predicted to be benign by multiple in silico algorithms, and/or has population frequency not consistent with disease.

PreventionGenetics, part of Exact Sciences
Classification: Likely benign. Last evaluated: 2016-01-28. Review status: criteria provided, single submitter. Criteria: ACMG Guidelines, 2015. Collection method: clinical testing. Allele origin: germline.

NM_021971.4(GMPPB):c.640+11G>A

Gene: GMPPB (GDP-mannose pyrophosphorylase B; minus strand). Cytogenetic location: 3p21.31.
Variant type: single nucleotide variant.
Coding change: c.640+11G>A on transcript NM_021971.4 (MANE Select); 11 bases into the intron after coding-DNA position 640, G replaced by A.
Molecular consequence: intron variant.
Genome position (GRCh38, 1-based): chr3:49,722,421, C>T on the plus strand (G>A on the coding strand, the complement: GMPPB is on the minus strand). VCF-style: chr3-49722421-C-T. GRCh37 (hg19) VCF-style: chr3-49759854-C-T.
Other names: c.640+11G>A (NM_013334.4).
Identifiers: ClinVar variation 260286 (VCV000260286.14), dbSNP rs191912441, ClinGen allele CA2405491.